The following is an entry in ClinVar:

NM_000038.6(APC):c.829G>C (p.Gly277Arg)

Gene: APC (APC regulator of Wnt signaling pathway; plus strand). Cytogenetic location: 5q22.2.
Variant type: single nucleotide variant.
Coding change: c.829G>C on transcript NM_000038.6 (MANE Select); coding-DNA position 829, G replaced by C.
Protein change: p.Gly277Arg; replaces glycine 277 with arginine.
Molecular consequence: missense variant. On other transcripts: 5 prime UTR variant (1).
Genome position (GRCh38, 1-based): chr5:112,801,378, G>C. VCF-style: chr5-112801378-G-C. GRCh37 (hg19) VCF-style: chr5-112137075-G-C.
Other names: c.829G>C, p.Gly277Arg (NM_001127510.3, NM_001354895.2, NM_001354896.2 and 12 more transcripts); c.775G>C, p.Gly259Arg (NM_001127511.3); c.859G>C, p.Gly287Arg (NM_001354897.2, NM_001354902.2, NM_001407446.1); c.754G>C, p.Gly252Arg (NM_001354898.2, NM_001354904.2, NM_001407451.1); c.745G>C, p.Gly249Arg (NM_001354899.2, NM_001407452.1, NM_001407467.1 and 1 more transcripts); c.652G>C, p.Gly218Arg (NM_001354900.2, NM_001354901.2, NM_001354905.2 and 1 more transcripts); c.-207G>C (NM_001354906.2, NM_001407470.1, NM_001407471.1 and 1 more transcripts); short protein forms G218R, G259R, G277R, G287R, G249R, G252R.
Identifiers: ClinVar variation 1762805 (VCV001762805.3), dbSNP rs1760810601, ClinGen allele CA16023141.

ClinVar aggregate classification (germline): Uncertain significance (1 of 4 stars; one submission).

Conditions:
Hereditary cancer-predisposing syndrome. Also called: Neoplastic Syndromes, Hereditary; Tumor predisposition; Hereditary Cancer Syndrome; Hereditary neoplastic syndrome. Identifiers: Orphanet 140162, MedGen C0027672, MeSH D009386, MONDO:0015356.

Submission:

Ambry Genetics
Classification: Uncertain significance for Hereditary cancer-predisposing syndrome. Last evaluated: 2024-11-07. Review status: criteria provided, single submitter. Criteria: Ambry Variant Classification Scheme 2023. Collection method: clinical testing. Allele origin: germline.
Comment: The p.G277R variant (also known as c.829G>C), located in coding exon 7 of the APC gene, results from a G to C substitution at nucleotide position 829. The glycine at codon 277 is replaced by arginine, an amino acid with dissimilar properties. This amino acid position is conserved. In addition, in silico predictors for this gene do not accurately predict pathogenicity. Since supporting evidence is limited at this time, the clinical significance of this alteration remains unclear.